The following is an entry in ClinVar:

ClinVar aggregate classification (germline): Uncertain significance. Review status: criteria provided, multiple submitters, no conflicts (2 of 4 stars). 2 submissions from 2 submitters: Uncertain significance (2). Last evaluated 2025-08-15.

Conditions:
Inborn genetic diseases. Identifiers: MedGen C0950123, MeSH D030342.

gnomAD v4.1: 7 of 1,611,950 alleles (0.00043%); highest among the groups gnomAD compares: African/African-American, 0.0093%; no homozygotes.

Submissions (2):

Labcorp Genetics (formerly Invitae), Labcorp
Classification: Uncertain significance. Last evaluated: 2025-08-15. Review status: criteria provided, single submitter. Criteria: Invitae Variant Classification Sherloc (09022015). Collection method: clinical testing. Allele origin: germline.
Comment: This sequence change replaces aspartic acid, which is acidic and polar, with histidine, which is basic and polar, at codon 492 of the GHR protein (p.Asp492His). This variant is present in population databases (rs556822630, gnomAD 0.007%). This variant has not been reported in the literature in individuals affected with GHR-related conditions. ClinVar contains an entry for this variant (Variation ID: 3520096). Invitae Evidence Modeling of protein sequence and biophysical properties (such as structural, functional, and spatial information, amino acid conservation, physicochemical variation, residue mobility, and thermodynamic stability) indicates that this missense variant is not expected to disrupt GHR protein function with a negative predictive value of 80%. In summary, the available evidence is currently insufficient to determine the role of this variant in disease. Therefore, it has been classified as a Variant of Uncertain Significance.

Ambry Genetics
Classification: Uncertain significance for Inborn genetic diseases. Last evaluated: 2024-07-31. Review status: criteria provided, single submitter. Criteria: Ambry Variant Classification Scheme 2023. Collection method: clinical testing. Allele origin: germline.

NM_000163.5(GHR):c.1474G>C (p.Asp492His)

Gene: GHR (growth hormone receptor; plus strand). Cytogenetic location: 5p12.
Variant type: single nucleotide variant.
Coding change: c.1474G>C on transcript NM_000163.5 (MANE Select); coding-DNA position 1474, G replaced by C.
Protein change: p.Asp492His; replaces aspartic acid 492 with histidine.
Molecular consequence: missense variant. On other transcripts: 3 prime UTR variant (1).
Genome position (GRCh38, 1-based): chr5:42,718,981, G>C. VCF-style: chr5-42718981-G-C. GRCh37 (hg19) VCF-style: chr5-42719083-G-C.
Other names: c.1495G>C, p.Asp499His (NM_001242399.2); c.1474G>C, p.Asp492His (NM_001242400.2, NM_001242401.4, NM_001242402.2 and 4 more transcripts); c.1408G>C, p.Asp470His (NM_001242460.2); c.*516G>C (NM_001242462.1); short protein forms D470H, D492H, D499H.
Identifiers: ClinVar variation 3520096 (VCV003520096.2).